The following is an entry in ClinVar:

NM_005120.3(MED12):c.4208C>A (p.Thr1403Asn)

Gene: MED12 (mediator complex subunit 12; plus strand). Cytogenetic location: Xq13.1.
Variant type: single nucleotide variant.
Coding change: c.4208C>A on transcript NM_005120.3 (MANE Select); coding-DNA position 4208, C replaced by A.
Protein change: p.Thr1403Asn; replaces threonine 1403 with asparagine.
Molecular consequence: missense variant.
Genome position (GRCh38, 1-based): chrX:71,132,161, C>A. VCF-style: chrX-71132161-C-A. GRCh37 (hg19) VCF-style: chrX-70352011-C-A.
Other names: c.4208C>A (NM_005120.2); short protein forms T1403N.
Identifiers: ClinVar variation 1482723 (VCV001482723.10), dbSNP rs2147813483, ClinGen allele CA413525837.

ClinVar aggregate classification (germline): Uncertain significance. Review status: criteria provided, multiple submitters, no conflicts (2 of 4 stars). 2 submissions from 2 submitters: Uncertain significance (2). Last evaluated 2024-03-24.

Conditions:
Familial thoracic aortic aneurysm and aortic dissection (TAAD). Also called: Thoracic aortic aneurysms and dissections. Identifiers: Orphanet 91387, MedGen C4707243, MONDO:0019625.
FG syndrome (FGS). Identifiers: MedGen C0220769, MONDO:0002010.

Submissions (3):

Ambry Genetics
Classification: Uncertain significance for Familial thoracic aortic aneurysm and aortic dissection. Last evaluated: 2024-03-24. Review status: criteria provided, single submitter. Criteria: Ambry Variant Classification Scheme 2023. Collection method: clinical testing. Allele origin: germline.
Comment: The p.T1403N variant (also known as c.4208C>A), located in coding exon 30 of the MED12 gene, results from a C to A substitution at nucleotide position 4208. The threonine at codon 1403 is replaced by asparagine, an amino acid with similar properties. This amino acid position is conserved. In addition, this alteration is predicted to be tolerated by in silico analysis. Based on the available evidence, the clinical significance of this alteration remains unclear.

Labcorp Genetics (formerly Invitae), Labcorp
Classification: Uncertain significance for FG syndrome. Last evaluated: 2021-04-14. Review status: criteria provided, single submitter. Criteria: Invitae Variant Classification Sherloc (09022015). Collection method: clinical testing. Allele origin: germline.
Comment: In summary, the available evidence is currently insufficient to determine the role of this variant in disease. Therefore, it has been classified as a Variant of Uncertain Significance. Advanced modeling of protein sequence and biophysical properties (such as structural, functional, and spatial information, amino acid conservation, physicochemical variation, residue mobility, and thermodynamic stability) performed at Invitae indicates that this missense variant is not expected to disrupt MED12 protein function. This variant has not been reported in the literature in individuals with MED12-related conditions. This variant is not present in population databases (ExAC no frequency). This sequence change replaces threonine with asparagine at codon 1403 of the MED12 protein (p.Thr1403Asn). The threonine residue is moderately conserved and there is a small physicochemical difference between threonine and asparagine.

Dr. Peter K. Rogan Lab, Western University
No classification provided (evidence only). Condition: Nonpapillary renal cell carcinoma. Review status: no classification provided. Collection method: in vitro. Allele origin: not applicable. Functional consequence: retained intron. Not counted in ClinVar's aggregate classification.